The following is an entry in ClinVar:

ClinVar aggregate classification (germline): Conflicting classifications of pathogenicity. Review status: criteria provided, conflicting classifications (1 of 4 stars). 2 submissions from 2 submitters: Uncertain significance (1); Likely benign (1). Last evaluated 2026-01-12.

Allele frequency attached by ClinVar (database versions not stated): gnomAD exomes 0.00001; TOPMed 0.00001; ExAC 0.00002.
gnomAD v4.1: 11 of 1,527,406 alleles (0.00072%); highest among the groups gnomAD compares: Non-Finnish European, 0.00098%; no homozygotes.

Submissions (2):

Labcorp Genetics (formerly Invitae), Labcorp
Classification: Uncertain significance. Last evaluated: 2026-01-12. Review status: criteria provided, single submitter. Criteria: Invitae Variant Classification Sherloc (09022015). Collection method: clinical testing. Allele origin: germline.
Comment: This sequence change falls in intron 24 of the JAK1 gene. It does not directly change the encoded amino acid sequence of the JAK1 protein. It affects a nucleotide within the consensus splice site. This variant is present in population databases (rs751396065, gnomAD 0.007%). This variant has not been reported in the literature in individuals affected with JAK1-related conditions. ClinVar contains an entry for this variant (Variation ID: 2778987). Variants that disrupt the consensus splice site are a relatively common cause of aberrant splicing (PMID: 17576681, 9536098). Algorithms developed to predict the effect of sequence changes on RNA splicing suggest that this variant is not likely to affect RNA splicing. In summary, the available evidence is currently insufficient to determine the role of this variant in disease. Therefore, it has been classified as a Variant of Uncertain Significance.

Blueprint Genetics
Classification: Likely benign. Last evaluated: 2023-12-05. Review status: criteria provided, single submitter. Criteria: ACMG Guidelines, 2015. Collection method: clinical testing. Allele origin: germline.

Literature cited by the submitters: PubMed 17576681 (cited by Labcorp Genetics (formerly Invitae), Labcorp); PubMed 9536098 (cited by Labcorp Genetics (formerly Invitae), Labcorp).

NM_002227.4(JAK1):c.3369+4T>C

Gene: JAK1 (Janus kinase 1; minus strand). Cytogenetic location: 1p31.3.
Variant type: single nucleotide variant.
Coding change: c.3369+4T>C on transcript NM_002227.4 (MANE Select); 4 bases into the intron after coding-DNA position 3369, T replaced by C.
Molecular consequence: intron variant.
Genome position (GRCh38, 1-based): chr1:64,835,392, A>G on the plus strand (T>C on the coding strand, the complement: JAK1 is on the minus strand). VCF-style: chr1-64835392-A-G. GRCh37 (hg19) VCF-style: chr1-65301075-A-G.
Other names: c.3369+4T>C (NM_001321852.2, NM_001321854.2, NM_001321853.2 and 3 more transcripts); c.3366+4T>C (NM_001321857.2).
Identifiers: ClinVar variation 2778987 (VCV002778987.4), dbSNP rs751396065, ClinGen allele CA892466.